The following is an entry in ClinVar:

NM_004655.4(AXIN2):c.1075C>T (p.Pro359Ser)

Gene: AXIN2 (axin 2; minus strand). Cytogenetic location: 17q24.1.
Variant type: single nucleotide variant.
Coding change: c.1075C>T on transcript NM_004655.4 (MANE Select); coding-DNA position 1075, C replaced by T.
Protein change: p.Pro359Ser; replaces proline 359 with serine.
Molecular consequence: missense variant.
Genome position (GRCh38, 1-based): chr17:65,538,328, G>A on the plus strand (C>T on the coding strand, the complement: AXIN2 is on the minus strand). VCF-style: chr17-65538328-G-A. GRCh37 (hg19) VCF-style: chr17-63534446-G-A.
Other names: c.1075C>T, p.Pro359Ser (NM_001363813.1); short protein forms P359S.
Identifiers: ClinVar variation 857340 (VCV000857340.9), dbSNP rs2043981534, ClinGen allele CA400678590.

ClinVar aggregate classification (germline): Uncertain significance. Review status: criteria provided, multiple submitters, no conflicts (2 of 4 stars). 2 submissions from 2 submitters: Uncertain significance (2). Last evaluated 2023-09-29.

Conditions:
Hereditary cancer-predisposing syndrome. Also called: Tumor predisposition; Hereditary neoplastic syndrome; Neoplastic Syndromes, Hereditary; Hereditary Cancer Syndrome. Identifiers: Orphanet 140162, MedGen C0027672, MeSH D009386, MONDO:0015356.
Oligodontia-cancer predisposition syndrome. Also called: TOOTH AGENESIS-COLORECTAL CANCER SYNDROME. Identifiers: Orphanet 300576, MedGen C1837750, MONDO:0012075, OMIM 608615. Disease mechanism: loss of function.

Submissions (2):

Ambry Genetics
Classification: Uncertain significance for Hereditary cancer-predisposing syndrome. Last evaluated: 2023-09-29. Review status: criteria provided, single submitter. Criteria: Ambry Variant Classification Scheme 2023. Collection method: clinical testing. Allele origin: germline.
Comment: The p.P359S variant (also known as c.1075C>T), located in coding exon 4 of the AXIN2 gene, results from a C to T substitution at nucleotide position 1075. The proline at codon 359 is replaced by serine, an amino acid with similar properties. This amino acid position is conserved. In addition, this alteration is predicted to be deleterious by in silico analysis. Since supporting evidence is limited at this time, the clinical significance of this alteration remains unclear.

Labcorp Genetics (formerly Invitae), Labcorp
Classification: Uncertain significance for Oligodontia-cancer predisposition syndrome. Last evaluated: 2020-06-23. Review status: criteria provided, single submitter. Criteria: Invitae Variant Classification Sherloc (09022015). Collection method: clinical testing. Allele origin: germline.
Comment: In summary, the available evidence is currently insufficient to determine the role of this variant in disease. Therefore, it has been classified as a Variant of Uncertain Significance. Algorithms developed to predict the effect of missense changes on protein structure and function are either unavailable or do not agree on the potential impact of this missense change (SIFT: "Tolerated"; PolyPhen-2: "Possibly Damaging"; Align-GVGD: "Class C0"). This variant has not been reported in the literature in individuals with AXIN2-related conditions. This variant is not present in population databases (ExAC no frequency). This sequence change replaces proline with serine at codon 359 of the AXIN2 protein (p.Pro359Ser). The proline residue is highly conserved and there is a moderate physicochemical difference between proline and serine.